The following is an entry in ClinVar:

NM_006231.4(POLE):c.331-3T>G

Gene: POLE (DNA polymerase epsilon, catalytic subunit; minus strand). Cytogenetic location: 12q24.33.
Variant type: single nucleotide variant.
Coding change: c.331-3T>G on transcript NM_006231.4 (MANE Select); 3 bases into the intron before coding-DNA position 331, T replaced by G.
Molecular consequence: intron variant.
Genome position (GRCh38, 1-based): chr12:132,680,049, A>C on the plus strand (T>G on the coding strand, the complement: POLE is on the minus strand). VCF-style: chr12-132680049-A-C. GRCh37 (hg19) VCF-style: chr12-133256635-A-C.
Identifiers: ClinVar variation 486113 (VCV000486113.12), dbSNP rs1269825866, ClinGen allele CA658658229.

ClinVar aggregate classification (germline): Uncertain significance. Review status: criteria provided, multiple submitters, no conflicts (2 of 4 stars). 2 submissions from 2 submitters: Uncertain significance (2). Last evaluated 2026-01-09.

Conditions:
Hereditary cancer-predisposing syndrome. Also called: Tumor predisposition; Hereditary Cancer Syndrome; Neoplastic Syndromes, Hereditary; Hereditary neoplastic syndrome. Identifiers: Orphanet 140162, MedGen C0027672, MeSH D009386, MONDO:0015356.

Allele frequency attached by ClinVar (database versions not stated): TOPMed 0.00001.

Submissions (2):

Ambry Genetics
Classification: Uncertain significance for Hereditary cancer-predisposing syndrome. Last evaluated: 2026-01-09. Review status: criteria provided, single submitter. Criteria: Ambry Variant Classification Scheme 2023. Collection method: clinical testing. Allele origin: germline.
Comment: The c.331-3T>G intronic variant results from a T to G substitution 3 nucleotides upstream from coding exon 5 in the POLE gene. This nucleotide position is well conserved in available vertebrate species. In silico splice site analysis predicts that this alteration will weaken the native splice acceptor site. Based on the available evidence, the clinical significance of this variant remains unclear.

Labcorp Genetics (formerly Invitae), Labcorp
Classification: Uncertain significance. Last evaluated: 2024-05-29. Review status: criteria provided, single submitter. Criteria: Invitae Variant Classification Sherloc (09022015). Collection method: clinical testing. Allele origin: germline.
Comment: This sequence change falls in intron 4 of the POLE gene. It does not directly change the encoded amino acid sequence of the POLE protein. It affects a nucleotide within the consensus splice site. This variant is not present in population databases (gnomAD no frequency). This variant has not been reported in the literature in individuals affected with POLE-related conditions. ClinVar contains an entry for this variant (Variation ID: 486113). Variants that disrupt the consensus splice site are a relatively common cause of aberrant splicing (PMID: 17576681, 9536098). Studies have shown that this variant is associated with altered splicing resulting in multiple RNA products (Invitae). In summary, the available evidence is currently insufficient to determine the role of this variant in disease. Therefore, it has been classified as a Variant of Uncertain Significance.

Literature cited by the submitters: PubMed 17576681 (cited by Labcorp Genetics (formerly Invitae), Labcorp); PubMed 9536098 (cited by Labcorp Genetics (formerly Invitae), Labcorp).